The following is an entry in ClinVar:

NM_000090.4(COL3A1):c.334-13A>G

Gene: COL3A1 (collagen type III alpha 1 chain; plus strand). Cytogenetic location: 2q32.2.
Variant type: single nucleotide variant.
Coding change: c.334-13A>G on transcript NM_000090.4 (MANE Select); 13 bases into the intron before coding-DNA position 334, A replaced by G.
Molecular consequence: intron variant.
Genome position (GRCh38, 1-based): chr2:188,985,652, A>G. VCF-style: chr2-188985652-A-G. GRCh37 (hg19) VCF-style: chr2-189850378-A-G.
Identifiers: ClinVar variation 382806 (VCV000382806.7), dbSNP rs375137220, ClinGen allele CA076022.

ClinVar aggregate classification (germline): Likely benign. Review status: criteria provided, multiple submitters, no conflicts (2 of 4 stars). 4 submissions from 4 submitters: Likely benign (4). Last evaluated 2025-01-19.

Conditions:
Ehlers-Danlos syndrome, type 4 (EDSVASC). Also called: Ehlers-Danlos Syndrome Type IV; Ehlers-Danlos syndrome vascular type; Ehlers Danlos syndrome, ecchymotic type; Ehlers Danlos syndrome, arterial type; Ehlers Danlos syndrome, Sack-Barabas type. Identifiers: Orphanet 286, MedGen C0268338, MONDO:0017314, OMIM 130050.
Familial thoracic aortic aneurysm and aortic dissection (TAAD). Also called: Thoracic aortic aneurysms and dissections. Identifiers: Orphanet 91387, MedGen C4707243, MONDO:0019625.

Allele frequency attached by ClinVar (database versions not stated): gnomAD 0.00001; TOPMed 0.00001; ExAC 0.00002; gnomAD exomes 0.00002 and 0.00003; ESP Exome Variant Server 0.00008.
gnomAD v4.1: 24 of 1,556,190 alleles (0.0015%); highest among the groups gnomAD compares: Middle Eastern, 0.044%; no homozygotes.

Submissions (4):

Labcorp Genetics (formerly Invitae), Labcorp
Classification: Likely benign for Ehlers-Danlos syndrome, type 4. Last evaluated: 2025-01-19. Review status: criteria provided, single submitter. Criteria: Invitae Variant Classification Sherloc (09022015). Collection method: clinical testing. Allele origin: germline.

All of Us Research Program, National Institutes of Health
Classification: Likely benign for Ehlers-Danlos syndrome, type 4. Last evaluated: 2024-05-14. Review status: criteria provided, single submitter. Criteria: ACMG Guidelines, 2015. Collection method: clinical testing. Allele origin: germline. Inheritance: Autosomal dominant inheritance. Observed: 4 variant alleles, 4 heterozygotes.
Comment: This study involves interpretation of variants in research participants for the purpose of population health screening. Participant phenotype was not available at the time of variant classification. Additional details can be found in publication PMID: 35346344, PMCID: PMC8962531

Color Diagnostics, LLC DBA Color Health
Classification: Likely benign for Familial thoracic aortic aneurysm and aortic dissection. Last evaluated: 2019-02-28. Review status: criteria provided, single submitter. Criteria: ACMG Guidelines, 2015. Collection method: clinical testing. Allele origin: germline.

GeneDx
Classification: Likely benign. Last evaluated: 2016-01-06. Review status: criteria provided, single submitter. Criteria: GeneDx Variant Classification (06012015). Collection method: clinical testing. Allele origin: germline. Affected: yes.
Comment: This variant is considered likely benign or benign based on one or more of the following criteria: it is a conservative change, it occurs at a poorly conserved position in the protein, it is predicted to be benign by multiple in silico algorithms, and/or has population frequency not consistent with disease.